The following is an entry in ClinVar:

NM_001916.5(CYC1):c.227T>C (p.Met76Thr)

Gene: CYC1 (cytochrome c1; plus strand). Cytogenetic location: 8q24.3.
Variant type: single nucleotide variant.
Coding change: c.227T>C on transcript NM_001916.5 (MANE Select); coding-DNA position 227, T replaced by C.
Protein change: p.Met76Thr; replaces methionine 76 with threonine.
Molecular consequence: missense variant.
Genome position (GRCh38, 1-based): chr8:144,095,930, T>C. VCF-style: chr8-144095930-T-C. GRCh37 (hg19) VCF-style: chr8-145150833-T-C.
Other names: short protein forms M76T.
Identifiers: ClinVar variation 235356 (VCV000235356.54), dbSNP rs144257411, ClinGen allele CA4933308.
Genomic context (GRCh38, chr8:144,095,930, plus strand): 5'-GCCGGAAAGTGATGCTGTCAGCGCTGGGCATGCTGGCGGCAGGGGGTGCGGGGCTGGCCA[T>C]GGCTCTGCATTCGGCTGTGAGTGCCAGTGACCTGGAGCTGCACCCCCCCAGCTATCCGTG-3'
Protein context (NP_001907.3, residues 66-86): MLAAGGAGLA[Met76Thr]ALHSAVSASD

ClinVar aggregate classification (germline): Benign/Likely benign. Review status: criteria provided, multiple submitters, no conflicts (2 of 4 stars). 6 submissions from 6 submitters: Benign (1); Likely benign (4). 1 of the submissions does not count toward it. Last evaluated 2026-01-01.

Allele frequency attached by ClinVar (database versions not stated): 1000 Genomes Project 30x 0.00078; 1000 Genomes Project 0.00100; TOPMed 0.00314; ESP Exome Variant Server 0.00369; gnomAD 0.00379 and 0.00400; gnomAD exomes 0.00429 and 0.00536; ExAC 0.00437.
gnomAD v4.1: 8,256 of 1,608,370 alleles (0.51%); highest among the groups gnomAD compares: Non-Finnish European, 0.63%; 25 homozygotes.

Submissions (6):

CeGaT Center for Human Genetics Tuebingen
Classification: Likely benign. Last evaluated: 2026-01-01. Review status: criteria provided, single submitter. Criteria: CeGaT Center For Human Genetics Tuebingen Variant Classification Criteria Version 2. Collection method: clinical testing. Allele origin: germline. Affected: yes. Observed: 12 variant alleles.
Comment: CYC1: BP4, BS2

Labcorp Genetics (formerly Invitae), Labcorp
Classification: Likely benign. Last evaluated: 2025-12-27. Review status: criteria provided, single submitter. Criteria: Invitae Variant Classification Sherloc (09022015). Collection method: clinical testing. Allele origin: germline.

GeneDx
Classification: Benign. Last evaluated: 2020-04-08. Review status: criteria provided, single submitter. Criteria: GeneDx Variant Classification Process June 2021. Collection method: clinical testing. Allele origin: germline. Affected: yes.

Center for Pediatric Genomic Medicine, Children's Mercy Hospital and Clinics
Classification: Likely benign. Last evaluated: 2016-05-10. Review status: criteria provided, single submitter. Criteria: ACMG Guidelines, 2015. Collection method: clinical testing. Allele origin: germline.
ClinVar note: Converted during submission from Likely Benign to Likely benign.

Breakthrough Genomics
Classification: Likely benign. Review status: criteria provided, single submitter. Criteria: ACMG Guidelines, 2015. Collection method: not provided. Allele origin: germline. Inheritance: Autosomal recessive inheritance. Affected: yes.

Mayo Clinic Laboratories, Mayo Clinic
Classification: Uncertain significance. Last evaluated: 2016-02-26. Review status: no assertion criteria provided. Collection method: clinical testing. Allele origin: unknown. Not counted in ClinVar's aggregate classification.